The following is an entry in ClinVar:

NM_001042492.3(NF1):c.8074G>T (p.Glu2692Ter)

Gene: NF1 (neurofibromin 1; plus strand). Cytogenetic location: 17q11.2.
Variant type: single nucleotide variant.
Coding change: c.8074G>T on transcript NM_001042492.3 (MANE Select); coding-DNA position 8074, G replaced by T.
Protein change: p.Glu2692Ter; replaces glutamic acid 2692 with a stop codon.
Molecular consequence: nonsense.
Genome position (GRCh38, 1-based): chr17:31,358,583, G>T. VCF-style: chr17-31358583-G-T. GRCh37 (hg19) VCF-style: chr17-29685601-G-T.
Other names: c.8011G>T, p.Glu2671Ter (NM_000267.4); short protein forms E2671*, E2692*.
Identifiers: ClinVar variation 845204 (VCV000845204.7), dbSNP rs2070327932, ClinGen allele CA399203880.

ClinVar aggregate classification (germline): Pathogenic. Review status: criteria provided, multiple submitters, no conflicts (2 of 4 stars). 2 submissions from 2 submitters: Pathogenic (2). Last evaluated 2024-08-06.

Conditions:
Hereditary cancer-predisposing syndrome. Also called: Neoplastic Syndromes, Hereditary; Hereditary neoplastic syndrome; Tumor predisposition; Hereditary Cancer Syndrome. Identifiers: Orphanet 140162, MedGen C0027672, MeSH D009386, MONDO:0015356.
Cardiovascular phenotype. Identifiers: MedGen CN230736.
Neurofibromatosis, type 1 (NF1). Also called: Peripheral type neurofibromatosis; VON RECKLINGHAUSEN DISEASE; Neurofibromatosis, type I; NEUROFIBROMATOSIS, TYPE I, SOMATIC. Identifiers: Orphanet 636, MedGen C0027831, MONDO:0018975, OMIM 162200. Disease mechanism: loss of function.

Submissions (2):

Ambry Genetics
Classification: Pathogenic for Cardiovascular phenotype; Hereditary cancer-predisposing syndrome. Last evaluated: 2024-08-06. Review status: criteria provided, single submitter. Criteria: Ambry Variant Classification Scheme 2023. Collection method: clinical testing. Allele origin: germline.
Comment: The p.E2671* pathogenic mutation (also known as c.8011G>T), located in coding exon 54 of the NF1 gene, results from a G to T substitution at nucleotide position 8011. This changes the amino acid from a glutamic acid to a stop codon within coding exon 54. This variant is considered to be rare based on population cohorts in the Genome Aggregation Database (gnomAD). This alteration is expected to result in loss of function by premature protein truncation or nonsense-mediated mRNA decay. As such, this alteration is interpreted as a disease-causing mutation.

Labcorp Genetics (formerly Invitae), Labcorp
Classification: Pathogenic for Neurofibromatosis, type 1. Last evaluated: 2023-06-23. Review status: criteria provided, single submitter. Criteria: Invitae Variant Classification Sherloc (09022015). Collection method: clinical testing. Allele origin: germline.
Comment: This variant has not been reported in the literature in individuals affected with NF1-related conditions. This variant is not present in population databases (gnomAD no frequency). This sequence change creates a premature translational stop signal (p.Glu2671*) in the NF1 gene. It is expected to result in an absent or disrupted protein product. Loss-of-function variants in NF1 are known to be pathogenic (PMID: 10712197, 23913538). ClinVar contains an entry for this variant (Variation ID: 845204). For these reasons, this variant has been classified as Pathogenic. Algorithms developed to predict the effect of sequence changes on RNA splicing suggest that this variant may disrupt the consensus splice site.

Literature cited by the submitters: PubMed 10712197 (cited by Labcorp Genetics (formerly Invitae), Labcorp); PubMed 23913538 (cited by Labcorp Genetics (formerly Invitae), Labcorp).